The following is an entry in ClinVar:

NM_007113.4(TCHH):c.1806G>T (p.Leu602=)

Gene: TCHH (trichohyalin; minus strand). Cytogenetic location: 1q21.3.
Variant type: single nucleotide variant.
Coding change: c.1806G>T on transcript NM_007113.4 (MANE Select); coding-DNA position 1806, G replaced by T.
Protein change: p.Leu602=; no amino-acid change (leucine 602 retained).
Molecular consequence: synonymous variant.
Genome position (GRCh38, 1-based): chr1:152,111,411, C>A on the plus strand (G>T on the coding strand, the complement: TCHH is on the minus strand). VCF-style: chr1-152111411-C-A. GRCh37 (hg19) VCF-style: chr1-152083887-C-A.
Identifiers: ClinVar variation 3239021 (VCV003239021.20), dbSNP rs115769840.

ClinVar aggregate classification (germline): Likely benign. Review status: criteria provided, multiple submitters, no conflicts (2 of 4 stars). 2 submissions from 2 submitters: Likely benign (2). Last evaluated 2024-11-11.

Allele frequency attached by ClinVar (database versions not stated): gnomAD exomes 0.00055; ExAC 0.00110; gnomAD 0.00269; ESP Exome Variant Server 0.00287; 1000 Genomes Project 30x 0.00328; 1000 Genomes Project 0.00359.
gnomAD v4.1: 1,254 of 1,611,540 alleles (0.078%); highest among the groups gnomAD compares: African/African-American, 1.1%; 13 homozygotes.

Submissions (2):

Blueprint Genetics
Classification: Likely benign. Last evaluated: 2024-11-11. Review status: criteria provided, single submitter. Criteria: ACMG Guidelines, 2015. Collection method: clinical testing. Allele origin: germline.

CeGaT Center for Human Genetics Tuebingen
Classification: Likely benign. Last evaluated: 2024-05-01. Review status: criteria provided, single submitter. Criteria: CeGaT Center For Human Genetics Tuebingen Variant Classification Criteria Version 2. Collection method: clinical testing. Allele origin: germline. Affected: yes. Observed: 1 variant allele.
Comment: TCHH: BP4, BP7